The following is an entry in ClinVar:

ClinVar aggregate classification (germline): Uncertain significance. Review status: criteria provided, multiple submitters, no conflicts (2 of 4 stars). 3 submissions from 3 submitters: Uncertain significance (3). Last evaluated 2025-04-28.

Conditions:
Cone-rod dystrophy 9 (CORD9). Identifiers: Orphanet 1872, MedGen C1423873, MONDO:0013002, OMIM 612775.

Allele frequency attached by ClinVar (database versions not stated): gnomAD exomes 0.00003; gnomAD 0.00004 and 0.00005; ExAC 0.00006; TOPMed 0.00010; 1000 Genomes Project 0.00020; 1000 Genomes Project 30x 0.00031.
gnomAD v4.1: 52 of 1,613,964 alleles (0.0032%); highest among the groups gnomAD compares: Middle Eastern, 0.017%; no homozygotes.

Submissions (3):

Labcorp Genetics (formerly Invitae), Labcorp
Classification: Uncertain significance. Last evaluated: 2025-04-28. Review status: criteria provided, single submitter. Criteria: Invitae Variant Classification Sherloc (09022015). Collection method: clinical testing. Allele origin: germline.
Comment: This sequence change replaces phenylalanine, which is neutral and non-polar, with valine, which is neutral and non-polar, at codon 702 of the ADAM9 protein (p.Phe702Val). This variant is present in population databases (rs568176855, gnomAD 0.01%). This variant has not been reported in the literature in individuals affected with ADAM9-related conditions. ClinVar contains an entry for this variant (Variation ID: 850824). Invitae Evidence Modeling of protein sequence and biophysical properties (such as structural, functional, and spatial information, amino acid conservation, physicochemical variation, residue mobility, and thermodynamic stability) indicates that this missense variant is not expected to disrupt ADAM9 protein function with a negative predictive value of 80%. In summary, the available evidence is currently insufficient to determine the role of this variant in disease. Therefore, it has been classified as a Variant of Uncertain Significance.

Blueprint Genetics
Classification: Uncertain significance. Last evaluated: 2022-12-27. Review status: criteria provided, single submitter. Criteria: ACMG Guidelines, 2015. Collection method: clinical testing. Allele origin: germline.

Illumina Laboratory Services, Illumina
Classification: Uncertain significance for Cone-rod dystrophy 9. Last evaluated: 2018-01-13. Review status: criteria provided, single submitter. Criteria: ICSL Variant Classification Criteria 13 December 2019. Collection method: clinical testing. Allele origin: germline.

NM_003816.3(ADAM9):c.2104T>G (p.Phe702Val)

Gene: ADAM9 (ADAM metallopeptidase domain 9; plus strand). Cytogenetic location: 8p11.22.
Variant type: single nucleotide variant.
Coding change: c.2104T>G on transcript NM_003816.3 (MANE Select); coding-DNA position 2104, T replaced by G.
Protein change: p.Phe702Val; replaces phenylalanine 702 with valine.
Molecular consequence: missense variant. On other transcripts: non-coding transcript variant (2).
Genome position (GRCh38, 1-based): chr8:39,090,082, T>G. VCF-style: chr8-39090082-T-G. GRCh37 (hg19) VCF-style: chr8-38947601-T-G.
Other names: short protein forms F702V.
Identifiers: ClinVar variation 850824 (VCV000850824.10), dbSNP rs568176855, ClinGen allele CA4721806.